The following is an entry in ClinVar:

ClinVar aggregate classification (germline): Uncertain significance (1 of 4 stars; one submission).

Submission:

Mayo Clinic Laboratories, Mayo Clinic
Classification: Uncertain significance. Last evaluated: 2024-07-10. Review status: criteria provided, single submitter. Criteria: ACMG Guidelines, 2015. Collection method: clinical testing. Allele origin: germline. Observed: 1 variant allele.
Comment: BP4

NM_152722.5(HEPACAM):c.1052C>T (p.Pro351Leu)

Gene: HEPACAM (hepatic and glial cell adhesion molecule; minus strand). Cytogenetic location: 11q24.2.
Variant type: single nucleotide variant.
Coding change: c.1052C>T on transcript NM_152722.5 (MANE Select); coding-DNA position 1052, C replaced by T.
Protein change: p.Pro351Leu; replaces proline 351 with leucine.
Molecular consequence: missense variant.
Genome position (GRCh38, 1-based): chr11:124,921,337, G>A on the plus strand (C>T on the coding strand, the complement: HEPACAM is on the minus strand). VCF-style: chr11-124921337-G-A. GRCh37 (hg19) VCF-style: chr11-124791233-G-A.
Other names: p.Pro351Leu; c.1208C>T, p.Pro403Leu (NM_001411043.1); short protein forms P351L, P403L.
Identifiers: ClinVar variation 3380054 (VCV003380054.1).
Genomic context (GRCh38, chr11:124,921,337, plus strand): 5'-GTGGCTGGGGAGCGCGCTGGGGAGCGCGGGTAGCGGCGGGCAGAGCGGATGGGCAGCCCC[G>A]GCGAGCGGCCGGGCACGGCGGGAGACACGGAGTAGCCGGGCGGGCCGGGCTCCGTCGCGC-3'
Protein context (NP_689935.2, residues 341-361): SVSPAVPGRS[Pro351Leu]GLPIRSARRY